The following is an entry in ClinVar:

NM_001378328.1(CELSR1):c.5158C>T (p.Arg1720Trp)

Gene: CELSR1 (cadherin EGF LAG seven-pass G-type receptor 1; minus strand). Cytogenetic location: 22q13.31.
Variant type: single nucleotide variant.
Coding change: c.5158C>T on transcript NM_001378328.1 (MANE Select); coding-DNA position 5158, C replaced by T.
Protein change: p.Arg1720Trp; replaces arginine 1720 with tryptophan.
Molecular consequence: missense variant.
Genome position (GRCh38, 1-based): chr22:46,409,064, G>A on the plus strand (C>T on the coding strand, the complement: CELSR1 is on the minus strand). VCF-style: chr22-46409064-G-A. GRCh37 (hg19) VCF-style: chr22-46804961-G-A.
Other names: c.5158C>T, p.Arg1720Trp (NM_014246.4); short protein forms R1720W.
Identifiers: ClinVar variation 1318255 (VCV001318255.3), dbSNP rs1250900773, ClinGen allele CA411950932.

ClinVar aggregate classification (germline): Uncertain significance. Review status: criteria provided, multiple submitters, no conflicts (2 of 4 stars). 2 submissions from 2 submitters: Uncertain significance (2). Last evaluated 2023-09-29.

Allele frequency attached by ClinVar (database versions not stated): TOPMed below 0.00001; gnomAD 0.00001; gnomAD exomes 0.00001.
gnomAD v4.1: 11 of 1,613,284 alleles (0.00068%); highest among the groups gnomAD compares: East Asian, 0.0022%; no homozygotes.

Submissions (2):

Ambry Genetics
Classification: Uncertain significance. Last evaluated: 2023-09-29. Review status: criteria provided, single submitter. Criteria: Ambry Variant Classification Scheme 2023. Collection method: clinical testing. Allele origin: germline.

GeneDx
Classification: Uncertain significance. Last evaluated: 2020-06-24. Review status: criteria provided, single submitter. Criteria: GeneDx Variant Classification Process June 2021. Collection method: clinical testing. Allele origin: germline. Affected: yes.
Comment: In silico analysis supports that this missense variant has a deleterious effect on protein structure/function; Has not been previously published as pathogenic or benign to our knowledge